The following is an entry in ClinVar:

NM_002473.6(MYH9):c.3124_3144dup (p.Lys1048_Thr1049insGlnArgGlnGluLeuGluLys)

Gene: MYH9 (myosin heavy chain 9; minus strand). Cytogenetic location: 22q12.3.
Variant type: Duplication.
Coding change: c.3124_3144dup on transcript NM_002473.6 (MANE Select); coding-DNA positions 3124 to 3144, 21 bases duplicated (CAGCGACAGGAGCTGGAGAAG).
Protein change: p.Lys1048_Thr1049insGlnArgGlnGluLeuGluLys.
Molecular consequence: inframe insertion.
Genome position (GRCh38, 1-based): chr22:36,296,971-36,296,991, CTTCTCCAGCTCCTGTCGCTG duplicated on the plus strand (CAGCGACAGGAGCTGGAGAAG on the coding strand, the reverse complement: MYH9 is on the minus strand); duplicating any 21 consecutive bases within chr22:36,296,971-36,296,998 gives the same sequence; the c. name uses the placement nearest the transcript's 3' end. VCF-style (leftmost placement, unchanged base first): chr22-36296970-T-TCTTCTCCAGCTCCTGTCGCTG. GRCh37 (hg19) VCF-style: chr22-36693016-T-TCTTCTCCAGCTCCTGTCGCTG.
Identifiers: ClinVar variation 2713991 (VCV002713991.3), dbSNP rs2517966216, ClinGen allele CA2697552742.

ClinVar aggregate classification (germline): Uncertain significance (1 of 4 stars; one submission).

Submission:

Labcorp Genetics (formerly Invitae), Labcorp
Classification: Uncertain significance. Last evaluated: 2024-01-29. Review status: criteria provided, single submitter. Criteria: Invitae Variant Classification Sherloc (09022015). Collection method: clinical testing. Allele origin: germline.
Comment: This variant, c.3124_3144dup, results in the insertion of 7 amino acid(s) of the MYH9 protein (p.Gln1042_Lys1048dup), but otherwise preserves the integrity of the reading frame. This variant is not present in population databases (gnomAD no frequency). This variant has not been reported in the literature in individuals affected with MYH9-related conditions. In summary, the available evidence is currently insufficient to determine the role of this variant in disease. Therefore, it has been classified as a Variant of Uncertain Significance.